The following is an entry in ClinVar:

NM_004304.5(ALK):c.4000A>T (p.Ser1334Cys)

Gene: ALK (ALK receptor tyrosine kinase; minus strand). Cytogenetic location: 2p23.2.
Variant type: single nucleotide variant.
Coding change: c.4000A>T on transcript NM_004304.5 (MANE Select); coding-DNA position 4000, A replaced by T.
Protein change: p.Ser1334Cys; replaces serine 1334 with cysteine.
Molecular consequence: missense variant.
Genome position (GRCh38, 1-based): chr2:29,197,615, T>A on the plus strand (A>T on the coding strand, the complement: ALK is on the minus strand). VCF-style: chr2-29197615-T-A. GRCh37 (hg19) VCF-style: chr2-29420481-T-A.
Other names: c.796A>T, p.Ser266Cys (NM_001353765.2); short protein forms S266C, S1334C.
Identifiers: ClinVar variation 658658 (VCV000658658.1), dbSNP rs1307066116, ClinGen allele CA346466166.
Genomic context (GRCh38, chr2:29,197,615, plus strand): 5'-AGTTCTTGGGTGGGTCCATCCGGCCTCCACTGGTGACAAACTCCAGAACTTCCTGGTTGC[T>A]TTTGCTGGGGTATGGCATATATCCAAGAGAAAAGATTTCCCATAGCAGCACTCCAAAGGA-3'
Protein context (NP_004295.2, residues 1324-1344): SLGYMPYPSK[Ser1334Cys]NQEVLEFVTS

ClinVar aggregate classification (germline): Uncertain significance (1 of 4 stars; one submission).

Conditions:
Neuroblastoma, susceptibility to, 3. Also called: ALK-Related Neuroblastic Tumor Susceptibility. Identifiers: Orphanet 635, MedGen C2751681, MONDO:0013083, OMIM 613014.

Submission:

Labcorp Genetics (formerly Invitae), Labcorp
Classification: Uncertain significance for Neuroblastoma 3. Last evaluated: 2018-07-29. Review status: criteria provided, single submitter. Criteria: Invitae Variant Classification Sherloc (09022015). Collection method: clinical testing. Allele origin: germline.
Comment: This sequence change replaces serine with cysteine at codon 1334 of the ALK protein (p.Ser1334Cys). The serine residue is highly conserved and there is a moderate physicochemical difference between serine and cysteine. This variant is not present in population databases (ExAC no frequency). This variant has not been reported in the literature in individuals with ALK-related disease. Algorithms developed to predict the effect of missense changes on protein structure and function are either unavailable or do not agree on the potential impact of this missense change (SIFT: "Deleterious"; PolyPhen-2: "Probably Damaging"; Align-GVGD: "Class C0"). In summary, the available evidence is currently insufficient to determine the role of this variant in disease. Therefore, it has been classified as a Variant of Uncertain Significance.